The following is an entry in ClinVar:

NM_138694.4(PKHD1):c.10859G>A (p.Arg3620His)

Gene: PKHD1 (PKHD1 ciliary IPT domain containing fibrocystin/polyductin; minus strand). Cytogenetic location: 6p12.3.
Variant type: single nucleotide variant.
Coding change: c.10859G>A on transcript NM_138694.4 (MANE Select); coding-DNA position 10859, G replaced by A.
Protein change: p.Arg3620His; replaces arginine 3620 with histidine.
Molecular consequence: missense variant.
Genome position (GRCh38, 1-based): chr6:51,659,267, C>T on the plus strand (G>A on the coding strand, the complement: PKHD1 is on the minus strand). VCF-style: chr6-51659267-C-T. GRCh37 (hg19) VCF-style: chr6-51524065-C-T.
Other names: short protein forms R3620H.
Identifiers: ClinVar variation 496885 (VCV000496885.28), dbSNP rs149163661, ClinGen allele CA3851006.

ClinVar aggregate classification (germline): Conflicting classifications of pathogenicity. Review status: criteria provided, conflicting classifications (1 of 4 stars). 9 submissions from 9 submitters: Uncertain significance (3); Likely benign (1). 5 of the submissions do not count toward it. Last evaluated 2026-05-07.

Conditions:
PKHD1-related disorder. Also called: PKHD1-related condition.
Autosomal recessive polycystic kidney disease (ARPKD). Also called: AR polycystic kidney disease. Identifiers: Orphanet 731, Orphanet 8378, MedGen C0085548, MeSH D017044, MONDO:0009889.
Inborn genetic diseases. Identifiers: MedGen C0950123, MeSH D030342.

Allele frequency attached by ClinVar (database versions not stated): gnomAD exomes 0.00024; ESP Exome Variant Server 0.00046; gnomAD 0.00054; 1000 Genomes Project 30x 0.00109; TOPMed 0.00057; 1000 Genomes Project 0.00100; ExAC 0.00021.
gnomAD v4.1: 228 of 1,613,740 alleles (0.014%); highest among the groups gnomAD compares: African/African-American, 0.16%; 1 homozygote.

Submissions (9):

GeneDx
Classification: Uncertain significance. Last evaluated: 2026-05-07. Review status: criteria provided, single submitter. Criteria: GeneDx Variant Classification Process June 2021. Collection method: clinical testing. Allele origin: germline.
Comment: Reported with a second variant (phase unknown) in a patient with polycystic kidney disease in published literature (PMID: 39473742); In silico analysis suggests that this missense variant does not alter protein structure/function; This variant is associated with the following publications: (PMID: 39473742)

Labcorp Genetics (formerly Invitae), Labcorp
Classification: Likely benign for Autosomal recessive polycystic kidney disease. Last evaluated: 2026-01-17. Review status: criteria provided, single submitter. Criteria: Invitae Variant Classification Sherloc (09022015). Collection method: clinical testing. Allele origin: germline.

Ambry Genetics
Classification: Uncertain significance for Inborn genetic diseases. Last evaluated: 2025-08-31. Review status: criteria provided, single submitter. Criteria: Ambry Variant Classification Scheme 2023. Collection method: clinical testing. Allele origin: germline.

Eurofins Ntd Llc (ga)
Classification: Uncertain significance. Last evaluated: 2018-06-26. Review status: criteria provided, single submitter. Criteria: EGL ClinVar v180209 classification definitions. Collection method: clinical testing. Allele origin: germline. Observed: 4 variant alleles, 4 heterozygotes.

Genetic Services Laboratory, University of Chicago
Classification: Uncertain significance. Last evaluated: 2022-08-26. Review status: no assertion criteria provided. Collection method: clinical testing. Allele origin: germline. Affected: no. Not counted in ClinVar's aggregate classification.
Comment: DNA sequence analysis of the PKHD1 gene demonstrated a sequence change, c.10859G>A, in exon 61 that results in an amino acid change, p.Arg3620His. This sequence change has been described in the gnomAD database with a frequency of 0.16% in the African/African American subpopulation (dbSNP rs149163661). The p.Arg3620His change affects a moderately conserved amino acid residue located in a domain of the PKHD1 protein that is not known to be functional. The p.Arg3620His substitution appears to be benign using several in-silico pathogenicity prediction tools (SIFT, PolyPhen2, Align GVGD, REVEL). This sequence change does not appear to have been previously described in individuals with PKHD1-related disorders. Due to insufficient evidences and the lack of functional studies, the clinical significance of the p.Arg3620His change remains unknown at this time.

PreventionGenetics, part of Exact Sciences
Classification: Likely benign for PKHD1-related condition. Last evaluated: 2022-04-12. Review status: no assertion criteria provided. Collection method: clinical testing. Allele origin: germline. Not counted in ClinVar's aggregate classification.
Comment: This variant is classified as likely benign based on ACMG/AMP sequence variant interpretation guidelines (Richards et al. 2015 PMID: 25741868, with internal and published modifications).

Natera, Inc.
Classification: Uncertain significance for Autosomal recessive polycystic kidney disease. Last evaluated: 2017-11-21. Review status: no assertion criteria provided. Collection method: clinical testing. Allele origin: germline. Not counted in ClinVar's aggregate classification.

Clinical Genetics DNA and cytogenetics Diagnostics Lab, Erasmus MC, Erasmus Medical Center
Classification: Likely benign. Review status: no assertion criteria provided. Collection method: clinical testing. Allele origin: germline. Affected: yes. Study: VKGL Data-share Consensus. Not counted in ClinVar's aggregate classification.

Laboratory of Diagnostic Genome Analysis, Leiden University Medical Center (LUMC)
Classification: Likely benign. Review status: no assertion criteria provided. Collection method: clinical testing. Allele origin: germline. Affected: yes. Study: VKGL Data-share Consensus. Not counted in ClinVar's aggregate classification.